The following is an entry in ClinVar:

NM_058216.3(RAD51C):c.571+3013_590del

Gene: RAD51C (RAD51 paralog C; plus strand). Cytogenetic location: 17q22.
Variant type: Deletion.
Coding change: c.571+3013_590del on transcript NM_058216.3 (MANE Select); 3013 bases into the intron after coding-DNA position 571 through coding-DNA position 590, 3,343 bases deleted.
Molecular consequence: splice acceptor variant.
Genome position (GRCh38, 1-based): chr17:58,699,872-58,703,214, 3,343 bases deleted. GRCh37 (hg19): chr17:56,777,233-56,780,575.
Identifiers: ClinVar variation 854208 (VCV000854208.1), ClinGen allele CA916081895.

ClinVar aggregate classification (germline): Likely pathogenic (1 of 4 stars; one submission).

Conditions:
Fanconi anemia complementation group O. Also called: RAD51C-Related Fanconi Anemia. Identifiers: Orphanet 84, MedGen C3150653, MONDO:0013248, OMIM 613390.

Submission:

Labcorp Genetics (formerly Invitae), Labcorp
Classification: Likely pathogenic for Fanconi anemia, complementation group O. Last evaluated: 2019-04-09. Review status: criteria provided, single submitter. Criteria: Invitae Variant Classification Sherloc (09022015). Collection method: clinical testing. Allele origin: germline.
Comment: This variant is a deletion of the genomic region encompassing part of exon 4 (c.571+3012_589del) of the RAD51C gene. It is expected to disrupt RNA splicing and likely results in an absent or disrupted protein product. This variant has not been reported in the literature in individuals with RAD51C-related conditions. Loss-of-function variants in RAD51C are known to be pathogenic (PMID: 20400964, 21990120, 24800917). In summary, the currently available evidence indicates that the variant is pathogenic, but additional data are needed to prove that conclusively. Therefore, this variant has been classified as Likely Pathogenic.